The following is an entry in ClinVar:

ClinVar aggregate classification (germline): Uncertain significance (1 of 4 stars; one submission).

Conditions:
Cardiovascular phenotype. Identifiers: MedGen CN230736.

gnomAD v4.1: 5 of 1,613,694 alleles (0.00031%); highest among the groups gnomAD compares: Non-Finnish European, 0.00042%; no homozygotes.

Submission:

Ambry Genetics
Classification: Uncertain significance for Cardiovascular phenotype. Last evaluated: 2026-03-23. Review status: criteria provided, single submitter. Criteria: Ambry Variant Classification Scheme 2023. Collection method: clinical testing. Allele origin: germline.
Comment: The p.E318Q variant (also known as c.952G>C), located in coding exon 8 of the NEXN gene, results from a G to C substitution at nucleotide position 952. The glutamic acid at codon 318 is replaced by glutamine, an amino acid with highly similar properties. This amino acid position is conserved. In addition, the in silico prediction for this alteration is inconclusive. Based on the available evidence, the clinical significance of this variant remains unclear.

NM_144573.4(NEXN):c.952G>C (p.Glu318Gln)

Gene: NEXN (nexilin F-actin binding protein; plus strand). Cytogenetic location: 1p31.1.
Variant type: single nucleotide variant.
Coding change: c.952G>C on transcript NM_144573.4 (MANE Select); coding-DNA position 952, G replaced by C.
Protein change: p.Glu318Gln; replaces glutamic acid 318 with glutamine.
Molecular consequence: missense variant.
Genome position (GRCh38, 1-based): chr1:77,929,403, G>C. VCF-style: chr1-77929403-G-C. GRCh37 (hg19) VCF-style: chr1-78395088-G-C.
Other names: c.760G>C, p.Glu254Gln (NM_001172309.2); short protein forms E318Q, E254Q.
Identifiers: ClinVar variation 3878966 (VCV003878966.2).